The following is an entry in ClinVar:

ClinVar aggregate classification (germline): Uncertain significance (1 of 4 stars; one submission).

Submission:

Labcorp Genetics (formerly Invitae), Labcorp
Classification: Uncertain significance. Last evaluated: 2022-04-20. Review status: criteria provided, single submitter. Criteria: Invitae Variant Classification Sherloc (09022015). Collection method: clinical testing. Allele origin: germline.
Comment: This variant has not been reported in the literature in individuals affected with MTHFD1-related conditions. This variant is not present in population databases (gnomAD no frequency). This sequence change replaces serine, which is neutral and polar, with phenylalanine, which is neutral and non-polar, at codon 688 of the MTHFD1 protein (p.Ser688Phe). Algorithms developed to predict the effect of missense changes on protein structure and function are either unavailable or do not agree on the potential impact of this missense change (SIFT: "Deleterious"; PolyPhen-2: "Probably Damaging"; Align-GVGD: "Class C0"). In summary, the available evidence is currently insufficient to determine the role of this variant in disease. Therefore, it has been classified as a Variant of Uncertain Significance.

NM_005956.4(MTHFD1):c.2063C>T (p.Ser688Phe)

Gene: MTHFD1 (methylenetetrahydrofolate dehydrogenase, cyclohydrolase and formyltetrahydrofolate synthetase 1; plus strand). Cytogenetic location: 14q23.3.
Variant type: single nucleotide variant.
Coding change: c.2063C>T on transcript NM_005956.4 (MANE Select); coding-DNA position 2063, C replaced by T.
Protein change: p.Ser688Phe; replaces serine 688 with phenylalanine.
Molecular consequence: missense variant.
Genome position (GRCh38, 1-based): chr14:64,442,329, C>T. VCF-style: chr14-64442329-C-T. GRCh37 (hg19) VCF-style: chr14-64909047-C-T.
Other names: c.2063C>T, p.Ser688Phe (NM_001364837.1); short protein forms S688F.
Identifiers: ClinVar variation 2128543 (VCV002128543.4), dbSNP rs2550504977, ClinGen allele CA389999542.